The following is an entry in ClinVar:

ClinVar aggregate classification (germline): Likely benign. Review status: criteria provided, multiple submitters, no conflicts (2 of 4 stars). 2 submissions from 2 submitters: Likely benign (2). Last evaluated 2025-07-01.

Conditions:
Perlman syndrome (PRLMNS). Identifiers: Orphanet 2849, MedGen C0796113, MONDO:0009965, OMIM 267000.

Allele frequency attached by ClinVar (database versions not stated): 1000 Genomes Project 0.00100; TOPMed 0.00113; gnomAD 0.00121 and 0.00116; gnomAD exomes 0.00029 and 0.00013; ExAC 0.00045; 1000 Genomes Project 30x 0.00094.
gnomAD v4.1: 358 of 1,555,946 alleles (0.023%); highest among the groups gnomAD compares: African/African-American, 0.36%; 1 homozygote.

Submissions (2):

CeGaT Center for Human Genetics Tuebingen
Classification: Likely benign. Last evaluated: 2025-07-01. Review status: criteria provided, single submitter. Criteria: CeGaT Center For Human Genetics Tuebingen Variant Classification Criteria Version 2. Collection method: clinical testing. Allele origin: germline. Affected: yes. Observed: 4 variant alleles.
Comment: DIS3L2: BP4, BP7

Sema4
Classification: Likely benign for Perlman syndrome. Last evaluated: 2022-01-25. Review status: criteria provided, single submitter. Criteria: Sema4 Curation Guidelines. Collection method: curation. Allele origin: germline.

NM_001257281.2(DIS3L2):c.1587C>T (p.Asn529=)

Gene: DIS3L2 (DIS3 like 3'-5' exoribonuclease 2; plus strand). Cytogenetic location: 2q37.1.
Variant type: single nucleotide variant.
Coding change: c.1587C>T on transcript NM_001257281.2; coding-DNA position 1587, C replaced by T.
Protein change: p.Asn529=; no amino-acid change (asparagine 529 retained).
Molecular consequence: synonymous variant.
Genome position (GRCh38, 1-based): chr2:232,343,350, C>T. VCF-style: chr2-232343350-C-T. GRCh37 (hg19) VCF-style: chr2-233208060-C-T.
Identifiers: ClinVar variation 1692602 (VCV001692602.21), dbSNP rs556095213, ClinGen allele CA2164734.